The following is an entry in ClinVar:

NM_152594.3(SPRED1):c.*2742G>T

Gene: SPRED1 (sprouty related EVH1 domain containing 1; plus strand). Cytogenetic location: 15q14.
Variant type: single nucleotide variant.
Coding change: c.*2742G>T on transcript NM_152594.3 (MANE Select); 2742 bases downstream of the stop codon, G replaced by T.
Molecular consequence: 3 prime UTR variant.
Genome position (GRCh38, 1-based): chr15:38,354,406, G>T. VCF-style: chr15-38354406-G-T. GRCh37 (hg19) VCF-style: chr15-38646607-G-T.
Identifiers: ClinVar variation 887205 (VCV000887205.4), dbSNP rs149336440, ClinGen allele CA269293716.

ClinVar aggregate classification (germline): Benign (1 of 4 stars; one submission).

Conditions:
Legius syndrome. Identifiers: Orphanet 137605, MedGen C1969623, MONDO:0012669, OMIM 611431. Disease mechanism: loss of function.

Allele frequency attached by ClinVar (database versions not stated): gnomAD 0.00243 and 0.00260; TOPMed 0.00311; 1000 Genomes Project 0.00459; 1000 Genomes Project 30x 0.00547.
gnomAD v4.1: 368 of 152,304 alleles (0.24%); highest among the groups gnomAD compares: African/African-American, 0.82%; 1 homozygote.

Submission:

Illumina Laboratory Services, Illumina
Classification: Benign for Legius syndrome. Last evaluated: 2018-01-12. Review status: criteria provided, single submitter. Criteria: ICSL Variant Classification Criteria 13 December 2019. Collection method: clinical testing. Allele origin: germline.
Comment: This variant was observed in the ICSL laboratory as part of a predisposition screen in an ostensibly healthy population. It had not been previously curated by ICSL or reported in the Human Gene Mutation Database (HGMD: prior to June 1st, 2018), and was therefore a candidate for classification through an automated scoring system. Utilizing variant allele frequency, disease prevalence and penetrance estimates, and inheritance mode, an automated score was calculated to assess if this variant is too frequent to cause the disease. Based on the score and internal cut-off values, a variant classified as benign is not then subjected to further curation. The score for this variant resulted in a classification of benign for this disease.